The following is an entry in ClinVar:

NM_000059.4(BRCA2):c.221T>A (p.Leu74Gln)

Gene: BRCA2 (BRCA2 DNA repair associated; plus strand). Cytogenetic location: 13q13.1.
Variant type: single nucleotide variant.
Coding change: c.221T>A on transcript NM_000059.4 (MANE Select); coding-DNA position 221, T replaced by A.
Protein change: p.Leu74Gln; replaces leucine 74 with glutamine.
Molecular consequence: missense variant.
Genome position (GRCh38, 1-based): chr13:32,319,230, T>A. VCF-style: chr13-32319230-T-A. GRCh37 (hg19) VCF-style: chr13-32893367-T-A.
Other names: c.221T>A, p.Leu74Gln (NM_001406719.1, NM_001406720.1, NM_001406721.1); c.-149T>A (NM_001406722.1); short protein forms L74Q.
Identifiers: ClinVar variation 2013857 (VCV002013857.4), dbSNP rs1566215918, ClinGen allele CA387754465.

ClinVar aggregate classification (germline): Uncertain significance (1 of 4 stars; one submission).

Conditions:
Hereditary breast ovarian cancer syndrome. Also called: Hereditary breast and/or ovarian cancer syndrome; Hereditary breast and ovarian cancer syndrome; BRCA1- and BRCA2-Associated Hereditary Breast and Ovarian Cancer; Breast and ovarian cancer; Hereditary breast and ovarian cancer; Hereditary breast and ovarian cancer syndrome (HBOC). Identifiers: Orphanet 145, MedGen C0677776, MeSH D061325, MONDO:0003582. Disease mechanism: loss of function.

Submission:

Labcorp Genetics (formerly Invitae), Labcorp
Classification: Uncertain significance for Hereditary breast ovarian cancer syndrome. Last evaluated: 2022-07-03. Review status: criteria provided, single submitter. Criteria: Invitae Variant Classification Sherloc (09022015). Collection method: clinical testing. Allele origin: germline.
Comment: In summary, the available evidence is currently insufficient to determine the role of this variant in disease. Therefore, it has been classified as a Variant of Uncertain Significance. Advanced modeling of protein sequence and biophysical properties (such as structural, functional, and spatial information, amino acid conservation, physicochemical variation, residue mobility, and thermodynamic stability) performed at Invitae indicates that this missense variant is not expected to disrupt BRCA2 protein function. This variant has not been reported in the literature in individuals affected with BRCA2-related conditions. This variant is not present in population databases (gnomAD no frequency). This sequence change replaces leucine, which is neutral and non-polar, with glutamine, which is neutral and polar, at codon 74 of the BRCA2 protein (p.Leu74Gln).